The following is an entry in ClinVar:

NM_024408.4(NOTCH2):c.4963A>G (p.Ile1655Val)

Gene: NOTCH2 (notch receptor 2; minus strand). Cytogenetic location: 1p12.
Variant type: single nucleotide variant.
Coding change: c.4963A>G on transcript NM_024408.4 (MANE Select); coding-DNA position 4963, A replaced by G.
Protein change: p.Ile1655Val; replaces isoleucine 1655 with valine.
Molecular consequence: missense variant.
Genome position (GRCh38, 1-based): chr1:119,922,675, T>C on the plus strand (A>G on the coding strand, the complement: NOTCH2 is on the minus strand). VCF-style: chr1-119922675-T-C. GRCh37 (hg19) VCF-style: chr1-120465298-T-C.
Other names: short protein forms I1655V.
Identifiers: ClinVar variation 2738529 (VCV002738529.4), dbSNP rs1392380573, ClinGen allele CA341887488.

ClinVar aggregate classification (germline): Conflicting classifications of pathogenicity. Review status: criteria provided, conflicting classifications (1 of 4 stars). 2 submissions from 2 submitters: Uncertain significance (1); Likely benign (1). Last evaluated 2026-01-26.

Conditions:
Hajdu-Cheney syndrome (HJCYS). Also called: ACROOSTEOLYSIS WITH OSTEOPOROSIS AND CHANGES IN SKULL AND MANDIBLE; SERPENTINE FIBULA-POLYCYSTIC KIDNEY SYNDROME; Acroosteolysis dominant type. Identifiers: Orphanet 955, MedGen C0917715, MONDO:0007057, OMIM 102500.

Allele frequency attached by ClinVar (database versions not stated): TOPMed below 0.00001; gnomAD 0.00001; gnomAD exomes 0.00002.

Submissions (2):

Labcorp Genetics (formerly Invitae), Labcorp
Classification: Uncertain significance for Hajdu-Cheney syndrome. Last evaluated: 2026-01-26. Review status: criteria provided, single submitter. Criteria: Invitae Variant Classification Sherloc (09022015). Collection method: clinical testing. Allele origin: germline.
Comment: This sequence change replaces isoleucine, which is neutral and non-polar, with valine, which is neutral and non-polar, at codon 1655 of the NOTCH2 protein (p.Ile1655Val). This variant is present in population databases (no rsID available, gnomAD 0.002%). This variant has not been reported in the literature in individuals affected with NOTCH2-related conditions. ClinVar contains an entry for this variant (Variation ID: 2738529). Invitae Evidence Modeling of protein sequence and biophysical properties (such as structural, functional, and spatial information, amino acid conservation, physicochemical variation, residue mobility, and thermodynamic stability) indicates that this missense variant is not expected to disrupt NOTCH2 protein function with a negative predictive value of 80%. In summary, the available evidence is currently insufficient to determine the role of this variant in disease. Therefore, it has been classified as a Variant of Uncertain Significance.

Blueprint Genetics
Classification: Likely benign. Last evaluated: 2020-07-08. Review status: criteria provided, single submitter. Criteria: ACMG Guidelines, 2015. Collection method: clinical testing. Allele origin: germline.